The following is an entry in ClinVar:

NM_030665.4(RAI1):c.555C>T (p.Tyr185=)

Gene: RAI1 (retinoic acid induced 1; plus strand). Cytogenetic location: 17p11.2.
Variant type: single nucleotide variant.
Coding change: c.555C>T on transcript NM_030665.4 (MANE Select); coding-DNA position 555, C replaced by T.
Protein change: p.Tyr185=; no amino-acid change (tyrosine 185 retained).
Molecular consequence: synonymous variant.
Genome position (GRCh38, 1-based): chr17:17,793,503, C>T. VCF-style: chr17-17793503-C-T. GRCh37 (hg19) VCF-style: chr17-17696817-C-T.
Identifiers: ClinVar variation 3355937 (VCV003355937.1).

ClinVar aggregate classification (germline): Likely benign (0 of 4 stars; one submission).

Conditions:
RAI1-related disorder. Also called: RAI1-related condition.

Submission:

PreventionGenetics, part of Exact Sciences
Classification: Likely benign for RAI1-related condition. Last evaluated: 2023-04-17. Review status: no assertion criteria provided. Collection method: clinical testing. Allele origin: germline.
Comment: This variant is classified as likely benign based on ACMG/AMP sequence variant interpretation guidelines (Richards et al. 2015 PMID: 25741868, with internal and published modifications).